The following is an entry in ClinVar:

NM_022436.3(ABCG5):c.1827T>G (p.Ile609Met)

Genes: ABCG5 (ATP binding cassette subfamily G member 5; minus strand), DYNC2LI1 (dynein cytoplasmic 2 light intermediate chain 1; plus strand). Cytogenetic location: 2p21.
Variant type: single nucleotide variant.
Coding change: c.1827T>G on transcript NM_022436.3 (MANE Select); coding-DNA position 1827, T replaced by G.
Protein change: p.Ile609Met; replaces isoleucine 609 with methionine.
Molecular consequence: missense variant. On other transcripts: intron variant (2).
Genome position (GRCh38, 1-based): chr2:43,813,245, A>C on the plus strand (T>G on the coding strand, the complement: ABCG5 is on the minus strand). VCF-style: chr2-43813245-A-C. GRCh37 (hg19) VCF-style: chr2-44040384-A-C.
Other names: c.*15+2721A>C (NM_001348913.2, NM_001348912.2); short protein forms I609M.
Identifiers: ClinVar variation 3706297 (VCV003706297.2).

ClinVar aggregate classification (germline): Uncertain significance. Review status: criteria provided, multiple submitters, no conflicts (2 of 4 stars). 2 submissions from 2 submitters: Uncertain significance (2). Last evaluated 2025-10-14.

Conditions:
Sitosterolemia (STSL). Also called: PHYTOSTEROLEMIA. Identifiers: Orphanet 2882, MedGen C0342907, MONDO:0008863.
Cardiovascular phenotype. Identifiers: MedGen CN230736.

gnomAD v4.1: 2 of 1,613,964 alleles (0.00012%); highest among the groups gnomAD compares: Non-Finnish European, 0.00017%; no homozygotes.

Submissions (2):

Ambry Genetics
Classification: Uncertain significance for Cardiovascular phenotype. Last evaluated: 2025-10-14. Review status: criteria provided, single submitter. Criteria: Ambry Variant Classification Scheme 2023. Collection method: clinical testing. Allele origin: germline.
Comment: The p.I609M variant (also known as c.1827T>G), located in coding exon 13 of the ABCG5 gene, results from a T to G substitution at nucleotide position 1827. The isoleucine at codon 609 is replaced by methionine, an amino acid with highly similar properties. This amino acid position is conserved. In addition, this alteration is predicted to be deleterious by in silico analysis. Based on the available evidence, the clinical significance of this variant remains unclear.

Labcorp Genetics (formerly Invitae), Labcorp
Classification: Uncertain significance for Sitosterolemia. Last evaluated: 2024-11-13. Review status: criteria provided, single submitter. Criteria: Invitae Variant Classification Sherloc (09022015). Collection method: clinical testing. Allele origin: germline.
Comment: This sequence change replaces isoleucine, which is neutral and non-polar, with methionine, which is neutral and non-polar, at codon 609 of the ABCG5 protein (p.Ile609Met). This variant is not present in population databases (gnomAD no frequency). This variant has not been reported in the literature in individuals affected with ABCG5-related conditions. An algorithm developed to predict the effect of missense changes on protein structure and function (PolyPhen-2) suggests that this variant is likely to be disruptive. In summary, the available evidence is currently insufficient to determine the role of this variant in disease. Therefore, it has been classified as a Variant of Uncertain Significance.